The following is an entry in ClinVar:

NM_001105206.3(LAMA4):c.5284C>T (p.Pro1762Ser)

Gene: LAMA4 (laminin subunit alpha 4; minus strand). Cytogenetic location: 6q21.
Variant type: single nucleotide variant.
Coding change: c.5284C>T on transcript NM_001105206.3 (MANE Select); coding-DNA position 5284, C replaced by T.
Protein change: p.Pro1762Ser; replaces proline 1762 with serine.
Molecular consequence: missense variant.
Genome position (GRCh38, 1-based): chr6:112,114,118, G>A on the plus strand (C>T on the coding strand, the complement: LAMA4 is on the minus strand). VCF-style: chr6-112114118-G-A. GRCh37 (hg19) VCF-style: chr6-112435321-G-A.
Other names: c.5263C>T, p.Pro1755Ser (NM_001105207.3, NM_002290.5); short protein forms P1755S, P1762S.
Identifiers: ClinVar variation 3222059 (VCV003222059.1), dbSNP rs782227058, ClinGen allele CA3964756.

ClinVar aggregate classification (germline): Uncertain significance (1 of 4 stars; one submission).

Conditions:
Cardiovascular phenotype. Identifiers: MedGen CN230736.

Allele frequency attached by ClinVar (database versions not stated): gnomAD exomes 0.00001; ExAC 0.00002.
gnomAD v4.1: 22 of 1,613,934 alleles (0.0014%); highest among the groups gnomAD compares: Non-Finnish European, 0.0018%; no homozygotes.

Submission:

Ambry Genetics
Classification: Uncertain significance for Cardiovascular phenotype. Last evaluated: 2024-03-07. Review status: criteria provided, single submitter. Criteria: Ambry Variant Classification Scheme 2023. Collection method: clinical testing. Allele origin: germline.
Comment: The p.P1755S variant (also known as c.5263C>T), located in coding exon 37 of the LAMA4 gene, results from a C to T substitution at nucleotide position 5263. The proline at codon 1755 is replaced by serine, an amino acid with similar properties. This amino acid position is conserved. In addition, this alteration is predicted to be tolerated by in silico analysis. Based on the available evidence, the clinical significance of this alteration remains unclear.